The following is an entry in ClinVar:

ClinVar aggregate classification (germline): Likely pathogenic (1 of 4 stars; one submission).

Conditions:
Leber congenital amaurosis (LCA). Also called: Leber's amaurosis. Identifiers: Orphanet 65, MedGen C0339527, MeSH D057130, MONDO:0018998.

Submission:

Natera, Inc.
Classification: Likely pathogenic for Leber congenital amaurosis. Last evaluated: 2025-08-06. Review status: criteria provided, single submitter. Criteria: Natera Variant Classification Schema (03/2026). Collection method: clinical testing. Allele origin: germline.
Comment: The c.83T>A variant in CEP290 is a nonsense variant predicted to introduce a stop codon at amino acid 28. This variant is expected to result in nonsense mediated decay, truncation, or a dysfunctional protein product. This variant is rare in the general population with a frequency below the threshold expected for the associated phenotype(s). Given the available evidence, this variant is classified as Likely Pathogenic.

NM_025114.4(CEP290):c.83T>A (p.Leu28Ter)

Gene: CEP290 (centrosomal protein 290; minus strand). Cytogenetic location: 12q21.32.
Variant type: single nucleotide variant.
Coding change: c.83T>A on transcript NM_025114.4 (MANE Select); coding-DNA position 83, T replaced by A.
Protein change: p.Leu28Ter; replaces leucine 28 with a stop codon.
Molecular consequence: nonsense.
Genome position (GRCh38, 1-based): chr12:88,141,225, A>T on the plus strand (T>A on the coding strand, the complement: CEP290 is on the minus strand). VCF-style: chr12-88141225-A-T. GRCh37 (hg19) VCF-style: chr12-88535002-A-T.
Other names: short protein forms L28*.
Identifiers: ClinVar variation 4816241 (VCV004816241.1).
Genomic context (GRCh38, chr12:88,141,225, plus strand): 5'-AAGTTAATGTATATATCTATTATTATTGACCAATTAAGCACCTTGGATAAGGAAATCAAT[A>T]AATTATCTGCCAGTTCTTCTTGACGGGGCAGGTCATCTGGGTCAACTTTCATTATTTCTT-3'